The following is an entry in ClinVar:

NM_000217.3(KCNA1):c.1429A>G (p.Asn477Asp)

Gene: KCNA1 (potassium voltage-gated channel subfamily A member 1; plus strand). Cytogenetic location: 12p13.32.
Variant type: single nucleotide variant.
Coding change: c.1429A>G on transcript NM_000217.3 (MANE Select); coding-DNA position 1429, A replaced by G.
Protein change: p.Asn477Asp; replaces asparagine 477 with aspartic acid.
Molecular consequence: missense variant.
Genome position (GRCh38, 1-based): chr12:4,912,807, A>G. VCF-style: chr12-4912807-A-G. GRCh37 (hg19) VCF-style: chr12-5021973-A-G.
Other names: short protein forms N477D.
Identifiers: ClinVar variation 5017092 (VCV005017092.1).

ClinVar aggregate classification (germline): Uncertain significance (1 of 4 stars; one submission).

Submission:

GeneDx
Classification: Uncertain significance. Last evaluated: 2026-03-24. Review status: criteria provided, single submitter. Criteria: GeneDx Variant Classification Process June 2021. Collection method: clinical testing. Allele origin: germline.
Comment: Not observed at significant frequency in large population cohorts (gnomAD); In silico analysis suggests that this missense variant does not alter protein structure/function; Has not been previously published as pathogenic or benign to our knowledge